The following is an entry in ClinVar:

ClinVar aggregate classification (germline): Uncertain significance (1 of 4 stars; one submission).

Conditions:
Dyskeratosis congenita. Identifiers: Orphanet 1775, MedGen C0265965, MONDO:0015780.

gnomAD v4.1: 5 of 1,614,038 alleles (0.00031%); highest among the groups gnomAD compares: Admixed American, 0.0017%; no homozygotes.

Submission:

Labcorp Genetics (formerly Invitae), Labcorp
Classification: Uncertain significance for Dyskeratosis congenita. Last evaluated: 2025-04-23. Review status: criteria provided, single submitter. Criteria: Invitae Variant Classification Sherloc (09022015). Collection method: clinical testing. Allele origin: germline.
Comment: This sequence change replaces proline, which is neutral and non-polar, with leucine, which is neutral and non-polar, at codon 195 of the CTC1 protein (p.Pro195Leu). This variant is present in population databases (no rsID available, gnomAD 0.003%). This variant has not been reported in the literature in individuals affected with CTC1-related conditions. Invitae Evidence Modeling of protein sequence and biophysical properties (such as structural, functional, and spatial information, amino acid conservation, physicochemical variation, residue mobility, and thermodynamic stability) indicates that this missense variant is not expected to disrupt CTC1 protein function with a negative predictive value of 80%. In summary, the available evidence is currently insufficient to determine the role of this variant in disease. Therefore, it has been classified as a Variant of Uncertain Significance.

NM_025099.6(CTC1):c.584C>T (p.Pro195Leu)

Gene: CTC1 (CST telomere replication complex component 1; minus strand). Cytogenetic location: 17p13.1.
Variant type: single nucleotide variant.
Coding change: c.584C>T on transcript NM_025099.6 (MANE Select); coding-DNA position 584, C replaced by T.
Protein change: p.Pro195Leu; replaces proline 195 with leucine.
Molecular consequence: missense variant. On other transcripts: non-coding transcript variant (1).
Genome position (GRCh38, 1-based): chr17:8,238,094, G>A on the plus strand (C>T on the coding strand, the complement: CTC1 is on the minus strand). VCF-style: chr17-8238094-G-A. GRCh37 (hg19) VCF-style: chr17-8141412-G-A.
Other names: c.584C>T, p.Pro195Leu (NM_001411067.1); short protein forms P195L.
Identifiers: ClinVar variation 4746543 (VCV004746543.1).